The following is an entry in ClinVar:

ClinVar aggregate classification (germline): Likely benign (1 of 4 stars; one submission).

gnomAD v4.1: 28 of 1,613,076 alleles (0.0017%); highest among the groups gnomAD compares: South Asian, 0.02%; no homozygotes.

Submission:

CeGaT Center for Human Genetics Tuebingen
Classification: Likely benign. Last evaluated: 2025-07-01. Review status: criteria provided, single submitter. Criteria: CeGaT Center For Human Genetics Tuebingen Variant Classification Criteria Version 2. Collection method: clinical testing. Allele origin: germline. Affected: yes. Observed: 1 variant allele.
Comment: NBEA: BP4, BP7

NM_001385012.1(NBEA):c.3213C>T (p.Leu1071=)

Gene: NBEA (neurobeachin; plus strand). Cytogenetic location: 13q13.3.
Variant type: single nucleotide variant.
Coding change: c.3213C>T on transcript NM_001385012.1 (MANE Select); coding-DNA position 3213, C replaced by T.
Protein change: p.Leu1071=; no amino-acid change (leucine 1071 retained).
Molecular consequence: synonymous variant.
Genome position (GRCh38, 1-based): chr13:35,159,384, C>T. VCF-style: chr13-35159384-C-T. GRCh37 (hg19) VCF-style: chr13-35733521-C-T.
Other names: c.3213C>T, p.Leu1071= (NM_001379245.1, NM_015678.5).
Identifiers: ClinVar variation 4083927 (VCV004083927.8).